The following is an entry in ClinVar:

ClinVar aggregate classification (germline): Uncertain significance. Review status: criteria provided, multiple submitters, no conflicts (2 of 4 stars). 2 submissions from 2 submitters: Uncertain significance (2). Last evaluated 2026-08-07.

Conditions:
Retinitis pigmentosa 71 (RP71). Identifiers: Orphanet 791, MedGen C4225342, MONDO:0014618, OMIM 616394.
Short-rib thoracic dysplasia 10 with or without polydactyly (SRTD10). Identifiers: Orphanet 474, MedGen C3810175, MONDO:0014284, OMIM 615630.
IFT172-related disorder. Also called: IFT172-related condition; IFT172-related disorders.

Allele frequency attached by ClinVar (database versions not stated): TOPMed 0.00001; gnomAD exomes 0.00002 and 0.00004; ExAC 0.00006.
gnomAD v4.1: 13 of 1,614,204 alleles (0.00081%); highest among the groups gnomAD compares: Admixed American, 0.022%; no homozygotes.

Submissions (2):

PreventionGenetics, part of Exact Sciences
Classification: Uncertain significance for IFT172-related condition. Last evaluated: 2026-08-07. Review status: criteria provided, single submitter. Criteria: ACMG Guidelines, 2015. Collection method: clinical testing. Allele origin: germline.
Comment: The IFT172 c.2943G>A variant is predicted to result in the amino acid substitution p.Met981Ile. To our knowledge, this variant has not been reported in the literature. This variant is reported in 0.029% of alleles in individuals of Latino descent in gnomAD. At this time, the clinical significance of this variant is uncertain due to the absence of conclusive functional and genetic evidence.

Labcorp Genetics (formerly Invitae), Labcorp
Classification: Uncertain significance for Retinitis pigmentosa 71; Short-rib thoracic dysplasia 10 with or without polydactyly. Last evaluated: 2025-09-15. Review status: criteria provided, single submitter. Criteria: Invitae Variant Classification Sherloc (09022015). Collection method: clinical testing. Allele origin: germline.
Comment: This sequence change replaces methionine, which is neutral and non-polar, with isoleucine, which is neutral and non-polar, at codon 981 of the IFT172 protein (p.Met981Ile). This variant is present in population databases (rs779195226, gnomAD 0.03%). This variant has not been reported in the literature in individuals affected with IFT172-related conditions. ClinVar contains an entry for this variant (Variation ID: 1011434). Invitae Evidence Modeling of protein sequence and biophysical properties (such as structural, functional, and spatial information, amino acid conservation, physicochemical variation, residue mobility, and thermodynamic stability) indicates that this missense variant is not expected to disrupt IFT172 protein function with a negative predictive value of 95%. In summary, the available evidence is currently insufficient to determine the role of this variant in disease. Therefore, it has been classified as a Variant of Uncertain Significance.

NM_015662.3(IFT172):c.2943G>A (p.Met981Ile)

Gene: IFT172 (intraflagellar transport 172; minus strand). Cytogenetic location: 2p23.3.
Variant type: single nucleotide variant.
Coding change: c.2943G>A on transcript NM_015662.3 (MANE Select); coding-DNA position 2943, G replaced by A.
Protein change: p.Met981Ile; replaces methionine 981 with isoleucine.
Molecular consequence: missense variant.
Genome position (GRCh38, 1-based): chr2:27,458,158, C>T on the plus strand (G>A on the coding strand, the complement: IFT172 is on the minus strand). VCF-style: chr2-27458158-C-T. GRCh37 (hg19) VCF-style: chr2-27681025-C-T.
Other names: c.2943G>A (NM_015662.2); short protein forms M981I.
Identifiers: ClinVar variation 1011434 (VCV001011434.6), dbSNP rs779195226, ClinGen allele CA1580137.